The following is an entry in ClinVar:

NM_003238.6(TGFB2):c.346+5G>A

Gene: TGFB2 (transforming growth factor beta 2; plus strand). Cytogenetic location: 1q41.
Variant type: single nucleotide variant.
Coding change: c.346+5G>A on transcript NM_003238.6 (MANE Select); 5 bases into the intron after coding-DNA position 346, G replaced by A.
Molecular consequence: intron variant.
Genome position (GRCh38, 1-based): chr1:218,347,052, G>A. VCF-style: chr1-218347052-G-A. GRCh37 (hg19) VCF-style: chr1-218520394-G-A.
Other names: c.346+5G>A (NM_001135599.4).
Identifiers: ClinVar variation 283805 (VCV000283805.13), dbSNP rs886042712, ClinGen allele CA10604595.

ClinVar aggregate classification (germline): Uncertain significance. Review status: criteria provided, multiple submitters, no conflicts (2 of 4 stars). 4 submissions from 4 submitters: Uncertain significance (4). Last evaluated 2024-06-25.

Conditions:
Loeys-Dietz syndrome 4 (LDS4). Also called: TGFB2-Related Loeys-Dietz Syndrome; ANEURYSM, AORTIC AND CEREBRAL, WITH ARTERIAL TORTUOSITY AND SKELETAL MANIFESTATIONS. Identifiers: MedGen C3553762, MONDO:0013897, OMIM 614816.
Familial thoracic aortic aneurysm and aortic dissection (TAAD). Also called: Thoracic aortic aneurysms and dissections. Identifiers: Orphanet 91387, MedGen C4707243, MONDO:0019625.

Submissions (4):

Laboratorio de Genetica e Diagnostico Molecular, Hospital Israelita Albert Einstein
Classification: Uncertain significance for Loeys-Dietz syndrome 4. Last evaluated: 2024-06-25. Review status: criteria provided, single submitter. Criteria: ACMG Guidelines, 2015. Collection method: clinical testing. Allele origin: germline. Affected: yes.
Comment: ACMG classification criteria: PM2 supporting, PP3 supporting

Labcorp Genetics (formerly Invitae), Labcorp
Classification: Uncertain significance for Loeys-Dietz syndrome 4. Last evaluated: 2023-09-29. Review status: criteria provided, single submitter. Criteria: Invitae Variant Classification Sherloc (09022015). Collection method: clinical testing. Allele origin: germline.
Comment: This sequence change falls in intron 1 of the TGFB2 gene. It does not directly change the encoded amino acid sequence of the TGFB2 protein. It affects a nucleotide within the consensus splice site. This variant is not present in population databases (gnomAD no frequency). This variant has been observed in individual(s) with Loeys-Dietz syndrome (Invitae). It has also been observed to segregate with disease in related individuals. ClinVar contains an entry for this variant (Variation ID: 283805). Variants that disrupt the consensus splice site are a relatively common cause of aberrant splicing (PMID: 17576681, 9536098). Algorithms developed to predict the effect of sequence changes on RNA splicing suggest that this variant may create or strengthen a splice site. In summary, the available evidence is currently insufficient to determine the role of this variant in disease. Therefore, it has been classified as a Variant of Uncertain Significance.

Ambry Genetics
Classification: Uncertain significance for Familial thoracic aortic aneurysm and aortic dissection. Last evaluated: 2016-11-10. Review status: criteria provided, single submitter. Criteria: Ambry Variant Classification Scheme 2023. Collection method: clinical testing. Allele origin: germline.
Comment: The c.346+5G>A intronic variant results from a G to A substitution 5 nucleotides after coding exon 1 in the TGFB2 gene. This variant was not reported in population-based cohorts in the following databases: Database of Single Nucleotide Polymorphisms (dbSNP), Exome Aggregation Consortium (ExAC), NHLBI Exome Sequencing Project (ESP), and 1000 Genomes Project. In the ESP, this variant was not observed in 6436 samples (12872 alleles), but coverage was relatively weak at this position. This nucleotide position is highly conserved in available vertebrate species. Using the BDGP, ESEfinder, and Human Splicing Finder (Desmet FO et al. Nucleic Acids Res. 2009;37(9):e67) splice site prediction tools, this alteration is predicted to weaken the efficiency of the native splice donor site; however, direct evidence is unavailable. Since supporting evidence is limited at this time, the clinical significance of this alteration remains unclear.

Eurofins Ntd Llc (ga)
Classification: Uncertain significance. Last evaluated: 2015-10-14. Review status: criteria provided, single submitter. Criteria: EGL Classification Definitions 2015. Collection method: clinical testing. Allele origin: germline. Observed: 1 variant allele, 1 heterozygote.

Literature cited by the submitters: PubMed 17576681 (cited by Labcorp Genetics (formerly Invitae), Labcorp); PubMed 9536098 (cited by Labcorp Genetics (formerly Invitae), Labcorp).